The following is an entry in ClinVar:

ClinVar aggregate classification (germline): Uncertain significance (1 of 4 stars; one submission).

Conditions:
Familial thoracic aortic aneurysm and aortic dissection (TAAD). Also called: Thoracic aortic aneurysms and dissections. Identifiers: Orphanet 91387, MedGen C4707243, MONDO:0019625.

Submission:

Ambry Genetics
Classification: Uncertain significance for Familial thoracic aortic aneurysm and aortic dissection. Last evaluated: 2016-12-07. Review status: criteria provided, single submitter. Criteria: Ambry Variant Classification Scheme 2023. Collection method: clinical testing. Allele origin: germline.
Comment: The p.S68P variant (also known as c.202T>C), located in coding exon 2 of the COL5A1 gene, results from a T to C substitution at nucleotide position 202. The serine at codon 68 is replaced by proline, an amino acid with similar properties. This amino acid position is not well conserved in available vertebrate species. In addition, this alteration is predicted to be tolerated by in silico analysis. Since supporting evidence is limited at this time, the clinical significance of this alteration remains unclear.

NM_000093.5(COL5A1):c.202T>C (p.Ser68Pro)

Gene: COL5A1 (collagen type V alpha 1 chain; plus strand). Cytogenetic location: 9q34.3.
Variant type: single nucleotide variant.
Coding change: c.202T>C on transcript NM_000093.5 (MANE Select); coding-DNA position 202, T replaced by C.
Protein change: p.Ser68Pro; replaces serine 68 with proline.
Molecular consequence: missense variant.
Genome position (GRCh38, 1-based): chr9:134,691,004, T>C. VCF-style: chr9-134691004-T-C. GRCh37 (hg19) VCF-style: chr9-137582850-T-C.
Other names: c.202T>C, p.Ser68Pro (NM_001278074.1); short protein forms S68P.
Identifiers: ClinVar variation 519644 (VCV000519644.5), dbSNP rs1554780172, ClinGen allele CA375440477.